The following is an entry in ClinVar:

NM_000360.4(TH):c.220G>C (p.Glu74Gln)

Gene: TH (tyrosine hydroxylase; minus strand). Cytogenetic location: 11p15.5.
Variant type: single nucleotide variant.
Coding change: c.220G>C on transcript NM_000360.4 (MANE Select); coding-DNA position 220, G replaced by C.
Protein change: p.Glu74Gln; replaces glutamic acid 74 with glutamine.
Molecular consequence: missense variant.
Genome position (GRCh38, 1-based): chr11:2,169,742, C>G on the plus strand (G>C on the coding strand, the complement: TH is on the minus strand). VCF-style: chr11-2169742-C-G. GRCh37 (hg19) VCF-style: chr11-2190972-C-G.
Other names: c.313G>C (NM_199292.2); c.313G>C, p.Glu105Gln (NM_199292.3); c.301G>C, p.Glu101Gln (NM_199293.3); short protein forms E101Q, E74Q, E105Q.
Identifiers: ClinVar variation 1520120 (VCV001520120.6), dbSNP rs748493792, ClinGen allele CA5818756.

ClinVar aggregate classification (germline): Uncertain significance. Review status: criteria provided, multiple submitters, no conflicts (2 of 4 stars). 2 submissions from 2 submitters: Uncertain significance (2). Last evaluated 2025-06-06.

Conditions:
Inborn genetic diseases. Identifiers: MedGen C0950123, MeSH D030342.
TH-deficient dopa-responsive dystonia. Also called: Tyrosine Hydroxylase-Deficient Dopa-Responsive Dystonia; Segawa syndrome, autosomal recessive; DYT-TH. Identifiers: Orphanet 101150, MedGen C2673535, MONDO:0011551, OMIM 605407.

Allele frequency attached by ClinVar (database versions not stated): gnomAD exomes below 0.00001; ExAC 0.00001; gnomAD 0.00001 and 0.00002; TOPMed 0.00002.
gnomAD v4.1: 4 of 1,612,658 alleles (0.00025%); highest among the groups gnomAD compares: African/African-American, 0.004%; no homozygotes.

Submissions (2):

Ambry Genetics
Classification: Uncertain significance for Inborn genetic diseases. Last evaluated: 2025-06-06. Review status: criteria provided, single submitter. Criteria: Ambry Variant Classification Scheme 2023. Collection method: clinical testing. Allele origin: germline.

Labcorp Genetics (formerly Invitae), Labcorp
Classification: Uncertain significance for TH-deficient dopa-responsive dystonia. Last evaluated: 2025-01-27. Review status: criteria provided, single submitter. Criteria: Invitae Variant Classification Sherloc (09022015). Collection method: clinical testing. Allele origin: germline.
Comment: This sequence change replaces glutamic acid, which is acidic and polar, with glutamine, which is neutral and polar, at codon 105 of the TH protein (p.Glu105Gln). This variant is present in population databases (rs748493792, gnomAD 0.0009%). This variant has not been reported in the literature in individuals affected with TH-related conditions. ClinVar contains an entry for this variant (Variation ID: 1520120). Invitae Evidence Modeling of protein sequence and biophysical properties (such as structural, functional, and spatial information, amino acid conservation, physicochemical variation, residue mobility, and thermodynamic stability) indicates that this missense variant is not expected to disrupt TH protein function with a negative predictive value of 95%. In summary, the available evidence is currently insufficient to determine the role of this variant in disease. Therefore, it has been classified as a Variant of Uncertain Significance.